The following is an entry in ClinVar:

NM_000199.5(SGSH):c.730G>A (p.Gly244Ser)

Gene: SGSH (N-sulfoglucosamine sulfohydrolase; minus strand). Cytogenetic location: 17q25.3.
Variant type: single nucleotide variant.
Coding change: c.730G>A on transcript NM_000199.5 (MANE Select); coding-DNA position 730, G replaced by A.
Protein change: p.Gly244Ser; replaces glycine 244 with serine.
Molecular consequence: missense variant. On other transcripts: non-coding transcript variant (1).
Genome position (GRCh38, 1-based): chr17:80,213,819, C>T on the plus strand (G>A on the coding strand, the complement: SGSH is on the minus strand). VCF-style: chr17-80213819-C-T. GRCh37 (hg19) VCF-style: chr17-78187618-C-T.
Other names: c.730G>A (NM_000199.3); c.730G>A, p.Gly244Ser (NM_001352921.3, NM_001352922.2); short protein forms G244S.
Identifiers: ClinVar variation 633568 (VCV000633568.7), dbSNP rs773480617, ClinGen allele CA8817822.

ClinVar aggregate classification (germline): Uncertain significance. Review status: criteria provided, multiple submitters, no conflicts (2 of 4 stars). 4 submissions from 4 submitters: Uncertain significance (4). Last evaluated 2025-06-10.

Conditions:
Inborn genetic diseases. Identifiers: MedGen C0950123, MeSH D030342.
Mucopolysaccharidosis, MPS-III-A (MPS3A). Also called: Mucopolysaccharidosis, type IIIA; MPS IIIA (Sanfilippo Syndrome Type A); MPS III A; SANFILIPPO SYNDROME A; SULFAMIDASE DEFICIENCY; Mucopolysaccharidosis type IIIA (Sanfilippo A). Identifiers: Orphanet 581, Orphanet 79269, MedGen C0086647, MONDO:0009655, OMIM 252900.

Allele frequency attached by ClinVar (database versions not stated): gnomAD 0.00010; gnomAD exomes 0.00002; TOPMed 0.00002; ExAC 0.00003.

Submissions (4):

Ambry Genetics
Classification: Uncertain significance for Inborn genetic diseases. Last evaluated: 2025-06-10. Review status: criteria provided, single submitter. Criteria: Ambry Variant Classification Scheme 2023. Collection method: clinical testing. Allele origin: germline.

Labcorp Genetics (formerly Invitae), Labcorp
Classification: Uncertain significance for Mucopolysaccharidosis, MPS-III-A. Last evaluated: 2024-12-23. Review status: criteria provided, single submitter. Criteria: Invitae Variant Classification Sherloc (09022015). Collection method: clinical testing. Allele origin: germline.
Comment: This sequence change replaces glycine, which is neutral and non-polar, with serine, which is neutral and polar, at codon 244 of the SGSH protein (p.Gly244Ser). This variant is present in population databases (rs773480617, gnomAD 0.02%). This variant has not been reported in the literature in individuals affected with SGSH-related conditions. ClinVar contains an entry for this variant (Variation ID: 633568). Invitae Evidence Modeling of protein sequence and biophysical properties (such as structural, functional, and spatial information, amino acid conservation, physicochemical variation, residue mobility, and thermodynamic stability) indicates that this missense variant is not expected to disrupt SGSH protein function with a negative predictive value of 95%. In summary, the available evidence is currently insufficient to determine the role of this variant in disease. Therefore, it has been classified as a Variant of Uncertain Significance.

Genome-Nilou Lab
Classification: Uncertain significance for Mucopolysaccharidosis, MPS-III-A. Last evaluated: 2021-11-07. Review status: criteria provided, single submitter. Criteria: ACMG Guidelines, 2015. Collection method: clinical testing. Allele origin: germline. Affected: no.

Laboratory of Molecular Genetics (Pr. Bezieau's lab), CHU de Nantes
Classification: Uncertain significance. Last evaluated: 2019-01-15. Review status: criteria provided, single submitter. Criteria: ACMG Guidelines, 2015. Collection method: clinical testing. Allele origin: germline. Affected: yes.